The following is an entry in ClinVar:

NM_024577.4(SH3TC2):c.732-1G>T

Gene: SH3TC2 (SH3 domain and tetratricopeptide repeats 2; minus strand). Cytogenetic location: 5q32.
Variant type: single nucleotide variant.
Coding change: c.732-1G>T on transcript NM_024577.4 (MANE Select); the canonical splice acceptor site of the intron before coding-DNA position 732, G replaced by T.
Molecular consequence: splice acceptor variant.
Genome position (GRCh38, 1-based): chr5:149,040,678, C>A on the plus strand (G>T on the coding strand, the complement: SH3TC2 is on the minus strand). VCF-style: chr5-149040678-C-A. GRCh37 (hg19) VCF-style: chr5-148420241-C-A.
Identifiers: ClinVar variation 3663793 (VCV003663793.2).

ClinVar aggregate classification (germline): Pathogenic (1 of 4 stars; one submission).

Conditions:
Charcot-Marie-Tooth disease type 4. Also called: Charcot-Marie-Tooth, Type 4; Charcot-Marie-Tooth disease, type IV. Identifiers: Orphanet 64749, MedGen C4082197, MONDO:0018995.

Submission:

Labcorp Genetics (formerly Invitae), Labcorp
Classification: Pathogenic for Charcot-Marie-Tooth disease type 4. Last evaluated: 2024-08-28. Review status: criteria provided, single submitter. Criteria: Invitae Variant Classification Sherloc (09022015). Collection method: clinical testing. Allele origin: germline.
Comment: This sequence change affects an acceptor splice site in intron 6 of the SH3TC2 gene. It is expected to disrupt RNA splicing. Variants that disrupt the donor or acceptor splice site typically lead to a loss of protein function (PMID: 16199547), and loss-of-function variants in SH3TC2 are known to be pathogenic (PMID: 20220177, 27068304). This variant is not present in population databases (gnomAD no frequency). Disruption of this splice site has been observed in individual(s) with Charcot-Marie-Tooth disease (PMID: 33643188). In at least one individual the data is consistent with being in trans (on the opposite chromosome) from a pathogenic variant. Algorithms developed to predict the effect of sequence changes on RNA splicing suggest that this variant may disrupt the consensus splice site. For these reasons, this variant has been classified as Pathogenic.

Literature cited by the submitters: PubMed 16199547; PubMed 20220177; PubMed 27068304; PubMed 33643188.